The following is an entry in ClinVar:

ClinVar aggregate classification (germline): Benign/Likely benign. Review status: criteria provided, multiple submitters, no conflicts (2 of 4 stars). 3 submissions from 3 submitters: Benign (1); Likely benign (2). Last evaluated 2026-01-21.

Allele frequency attached by ClinVar (database versions not stated): gnomAD 0.00407; TOPMed 0.00464; ESP Exome Variant Server 0.00485; 1000 Genomes Project 0.00599; 1000 Genomes Project 30x 0.00671.
gnomAD v4.1: 1,201 of 1,587,634 alleles (0.076%); highest among the groups gnomAD compares: African/African-American, 1.4%; 9 homozygotes.

Submissions (3):

Labcorp Genetics (formerly Invitae), Labcorp
Classification: Benign. Last evaluated: 2026-01-21. Review status: criteria provided, single submitter. Criteria: Invitae Variant Classification Sherloc (09022015). Collection method: clinical testing. Allele origin: germline.

Mayo Clinic Laboratories, Mayo Clinic
Classification: Likely benign. Last evaluated: 2025-01-29. Review status: criteria provided, single submitter. Criteria: ACMG Guidelines, 2015. Collection method: clinical testing. Allele origin: germline. Observed: 10 variant alleles.
Comment: BS1

Blueprint Genetics
Classification: Likely benign. Last evaluated: 2024-11-12. Review status: criteria provided, single submitter. Criteria: ACMG Guidelines, 2015. Collection method: clinical testing. Allele origin: germline.

NM_001367805.3(KIF23):c.660C>T (p.Val220=)

Gene: KIF23 (kinesin family member 23; plus strand). Cytogenetic location: 15q23.
Variant type: single nucleotide variant.
Coding change: c.660C>T on transcript NM_001367805.3 (MANE Select); coding-DNA position 660, C replaced by T.
Protein change: p.Val220=; no amino-acid change (valine 220 retained).
Molecular consequence: synonymous variant. On other transcripts: non-coding transcript variant (2).
Genome position (GRCh38, 1-based): chr15:69,423,255, C>T. VCF-style: chr15-69423255-C-T. GRCh37 (hg19) VCF-style: chr15-69715594-C-T.
Other names: p.Val220=; c.330C>T, p.Val110= (NM_001281301.2); c.660C>T, p.Val220= (NM_001367804.2, NM_004856.7, NM_138555.4).
Identifiers: ClinVar variation 2054206 (VCV002054206.6), dbSNP rs73426072, ClinGen allele CA7634971.